The following is an entry in ClinVar:

ClinVar aggregate classification (germline): not provided (0 of 4 stars; one submission).

Conditions:
Severe myoclonic epilepsy in infancy (DRVT). Also called: SEVERE MYOCLONIC EPILEPSY OF INFANCY; DEVELOPMENTAL AND EPILEPTIC ENCEPHALOPATHY 6A; Severe Myoclonic Epilepsy in Infancy (SMEI); Dravet syndrome; Epileptic encephalopathy, early infantile, 6 (Dravet syndrome). Identifiers: Orphanet 33069, MedGen C0751122, MONDO:0100135, OMIM 607208.

Submissions (2):

Channelopathy-Associated Epilepsy Research Center
No classification provided (evidence only). Condition: Severe myoclonic epilepsy in infancy. Review status: no classification provided. Collection method: literature only. Allele origin: not applicable. Functional consequence: Normal fast inactivation, Mild decrease in peak current, Normal voltage dependence of activation, Increase in slope of activation, Mild hyperpolarizing shift of voltage dependence of fast inactivation, Normal slope of fast inactivation, Mild-moderate slowing of recovery from fast inactivation, Normal persistent current, Overall loss-of-function effect with respect to biophysical channel activity. Not counted in ClinVar's aggregate classification.
ClinVar note: "not provided" was previously submitted as the classification for the variant. However, the classification appeared to be based only on an observation of functional data so it was converted to no classification on 2025-07-30.

UniProtKB/Swiss-Prot
No classification provided. Condition: Severe myoclonic epilepsy in infancy. Review status: no classification provided. Collection method: not provided. Allele origin: unknown.

Literature cited by the submitters: PubMed 17054685 (cited by Channelopathy-Associated Epilepsy Research Center).

NM_001165963.4(SCN1A):c.1276T>A (p.Tyr426Asn)

Gene: SCN1A (sodium voltage-gated channel alpha subunit 1; minus strand). Cytogenetic location: 2q24.3.
Variant type: single nucleotide variant.
Coding change: c.1276T>A on transcript NM_001165963.4 (MANE Select); coding-DNA position 1276, T replaced by A.
Protein change: p.Tyr426Asn; replaces tyrosine 426 with asparagine.
Molecular consequence: missense variant. On other transcripts: 5 prime UTR variant (1), non-coding transcript variant (1).
Genome position (GRCh38, 1-based): chr2:166,046,871, A>T on the plus strand (T>A on the coding strand, the complement: SCN1A is on the minus strand). VCF-style: chr2-166046871-A-T. GRCh37 (hg19) VCF-style: chr2-166903381-A-T.
Other names: c.1276T>A, p.Tyr426Asn (NM_001165964.3, NM_001202435.3, NM_001353948.2 and 10 more transcripts); c.-1150T>A (NM_001353961.2); short protein forms Y426N.
Identifiers: ClinVar variation 68511 (VCV000068511.3), dbSNP rs121917940, ClinGen allele CA284880.